The following is an entry in ClinVar:

NM_020894.4(UVSSA):c.1493G>A (p.Arg498Gln)

Gene: UVSSA (UV stimulated scaffold protein A; plus strand). Cytogenetic location: 4p16.3.
Variant type: single nucleotide variant.
Coding change: c.1493G>A on transcript NM_020894.4 (MANE Select); coding-DNA position 1493, G replaced by A.
Protein change: p.Arg498Gln; replaces arginine 498 with glutamine.
Molecular consequence: missense variant.
Genome position (GRCh38, 1-based): chr4:1,376,093, G>A. VCF-style: chr4-1376093-G-A. GRCh37 (hg19) VCF-style: chr4-1369881-G-A.
Other names: c.1493G>A, p.Arg498Gln (NM_001317934.2, NM_001317935.2); c.1493G>A (NM_020894.2); short protein forms R498Q.
Identifiers: ClinVar variation 730848 (VCV000730848.6), dbSNP rs146406848, ClinGen allele CA2806158.

ClinVar aggregate classification (germline): Conflicting classifications of pathogenicity. Review status: criteria provided, conflicting classifications (1 of 4 stars). 3 submissions from 3 submitters: Uncertain significance (1); Likely benign (2). Last evaluated 2026-04-01.

Allele frequency attached by ClinVar (database versions not stated): gnomAD 0.00016 and 0.00039; TOPMed 0.00020; ESP Exome Variant Server 0.00039; gnomAD exomes 0.00049 and 0.00066; 1000 Genomes Project 0.00100; ExAC 0.00118; 1000 Genomes Project 30x 0.00125.
gnomAD v4.1: 772 of 1,603,354 alleles (0.048%); highest among the groups gnomAD compares: South Asian, 0.41%; 9 homozygotes.

Submissions (3):

CeGaT Center for Human Genetics Tuebingen
Classification: Likely benign. Last evaluated: 2026-04-01. Review status: criteria provided, single submitter. Criteria: CeGaT Center For Human Genetics Tuebingen Variant Classification Criteria Version 2. Collection method: clinical testing. Allele origin: germline. Affected: yes. Observed: 1 variant allele.
Comment: UVSSA: BP4

Ambry Genetics
Classification: Uncertain significance. Last evaluated: 2025-08-29. Review status: criteria provided, single submitter. Criteria: Ambry Variant Classification Scheme 2023. Collection method: clinical testing. Allele origin: germline.

Labcorp Genetics (formerly Invitae), Labcorp
Classification: Likely benign. Last evaluated: 2017-10-25. Review status: criteria provided, single submitter. Criteria: Invitae Variant Classification Sherloc (09022015). Collection method: clinical testing. Allele origin: germline.